The following is an entry in ClinVar:

ClinVar aggregate classification (germline): Uncertain significance (1 of 4 stars; one submission).

gnomAD v4.1: 1 of 1,614,168 alleles (0.000062%); highest among the groups gnomAD compares: Non-Finnish European, 0.000085%; no homozygotes.

Submission:

Labcorp Genetics (formerly Invitae), Labcorp
Classification: Uncertain significance. Last evaluated: 2022-06-04. Review status: criteria provided, single submitter. Criteria: Invitae Variant Classification Sherloc (09022015). Collection method: clinical testing. Allele origin: germline.
Comment: In summary, the available evidence is currently insufficient to determine the role of this variant in disease. Therefore, it has been classified as a Variant of Uncertain Significance. Algorithms developed to predict the effect of missense changes on protein structure and function output the following: SIFT: "Tolerated"; PolyPhen-2: "Benign"; Align-GVGD: "Class C0". The leucine amino acid residue is found in multiple mammalian species, which suggests that this missense change does not adversely affect protein function. This variant has not been reported in the literature in individuals affected with SLC7A13-related conditions. This variant is not present in population databases (gnomAD no frequency). This sequence change replaces phenylalanine, which is neutral and non-polar, with leucine, which is neutral and non-polar, at codon 74 of the SLC7A13 protein (p.Phe74Leu).

NM_138817.3(SLC7A13):c.222C>G (p.Phe74Leu)

Gene: SLC7A13 (solute carrier family 7 member 13; minus strand). Cytogenetic location: 8q21.3.
Variant type: single nucleotide variant.
Coding change: c.222C>G on transcript NM_138817.3 (MANE Select); coding-DNA position 222, C replaced by G.
Protein change: p.Phe74Leu; replaces phenylalanine 74 with leucine.
Molecular consequence: missense variant.
Genome position (GRCh38, 1-based): chr8:86,230,056, G>C on the plus strand (C>G on the coding strand, the complement: SLC7A13 is on the minus strand). VCF-style: chr8-86230056-G-C. GRCh37 (hg19) VCF-style: chr8-87242285-G-C.
Other names: short protein forms F74L.
Identifiers: ClinVar variation 2054512 (VCV002054512.4), dbSNP rs1820458116, ClinGen allele CA371436528.